The following is an entry in ClinVar:

ClinVar aggregate classification (germline): Uncertain significance (1 of 4 stars; one submission).

gnomAD v4.1: 2 of 1,611,454 alleles (0.00012%); highest among the groups gnomAD compares: Admixed American, 0.0017%; no homozygotes.

Submission:

Labcorp Genetics (formerly Invitae), Labcorp
Classification: Uncertain significance. Last evaluated: 2024-09-10. Review status: criteria provided, single submitter. Criteria: Invitae Variant Classification Sherloc (09022015). Collection method: clinical testing. Allele origin: germline.
Comment: This sequence change replaces glycine, which is neutral and non-polar, with cysteine, which is neutral and slightly polar, at codon 1351 of the COL11A1 protein (p.Gly1351Cys). The frequency data for this variant in the population databases is considered unreliable, as metrics indicate poor data quality at this position in the gnomAD database. This variant has not been reported in the literature in individuals affected with COL11A1-related conditions. Invitae Evidence Modeling of protein sequence and biophysical properties (such as structural, functional, and spatial information, amino acid conservation, physicochemical variation, residue mobility, and thermodynamic stability) has been performed for this missense variant. However, the output from this modeling did not meet the statistical confidence thresholds required to predict the impact of this variant on COL11A1 protein function. In summary, the available evidence is currently insufficient to determine the role of this variant in disease. Therefore, it has been classified as a Variant of Uncertain Significance.

NM_001854.4(COL11A1):c.4051G>T (p.Gly1351Cys)

Gene: COL11A1 (collagen type XI alpha 1 chain; minus strand). Cytogenetic location: 1p21.1.
Variant type: single nucleotide variant.
Coding change: c.4051G>T on transcript NM_001854.4 (MANE Select); coding-DNA position 4051, G replaced by T.
Protein change: p.Gly1351Cys; replaces glycine 1351 with cysteine.
Molecular consequence: missense variant. On other transcripts: non-coding transcript variant (1).
Genome position (GRCh38, 1-based): chr1:102,912,194, C>A on the plus strand (G>T on the coding strand, the complement: COL11A1 is on the minus strand). VCF-style: chr1-102912194-C-A. GRCh37 (hg19) VCF-style: chr1-103377750-C-A.
Other names: c.3934G>T, p.Gly1312Cys (NM_001190709.2); c.4087G>T, p.Gly1363Cys (NM_080629.3); c.3703G>T, p.Gly1235Cys (NM_080630.4); short protein forms G1235C, G1312C, G1351C, G1363C.
Identifiers: ClinVar variation 3621341 (VCV003621341.2).
Genomic context (GRCh38, chr1:102,912,194, plus strand): 5'-CAAATAAAGAATTAAAGAAACTTACTCGTTTTCCAGGAGGACCTGGTGGGCCAGCCTCAC[C>A]AGATGGGCCAGGAGGACCCTATAAAATGTGAAAAAATACCTTTAACAAAATTGGATATTA-3'
Protein context (NP_001845.3, residues 1341-1361): PGQPGPPGPS[Gly1351Cys]EAGPPGPPGK